The following is an entry in ClinVar:

NM_004656.4(BAP1):c.1984-12T>C

Gene: BAP1 (BRCA1 associated deubiquitinase 1; minus strand). Cytogenetic location: 3p21.1.
Variant type: single nucleotide variant.
Coding change: c.1984-12T>C on transcript NM_004656.4 (MANE Select); 12 bases into the intron before coding-DNA position 1984, T replaced by C.
Molecular consequence: intron variant.
Genome position (GRCh38, 1-based): chr3:52,402,686, A>G on the plus strand (T>C on the coding strand, the complement: BAP1 is on the minus strand). VCF-style: chr3-52402686-A-G. GRCh37 (hg19) VCF-style: chr3-52436702-A-G.
Other names: c.1930-12T>C (NM_001410772.1).
Identifiers: ClinVar variation 3379071 (VCV003379071.4).

ClinVar aggregate classification (germline): Likely benign. Review status: criteria provided, multiple submitters, no conflicts (2 of 4 stars). 3 submissions from 3 submitters: Likely benign (3). Last evaluated 2025-12-29.

Conditions:
BAP1-related tumor predisposition syndrome (TPDS1). Also called: Tumor susceptibility linked to germline BAP1 mutations; BAP1 tumor predisposition syndrome; COMMON Syndrome; TUMOR PREDISPOSITION SYNDROME 1. Identifiers: Orphanet 289539, MedGen C3280492, MONDO:0013692, OMIM 614327.

Submissions (3):

Center for Genomic Medicine, Rigshospitalet, Copenhagen University Hospital
Classification: Likely benign. Last evaluated: 2025-12-29. Review status: criteria provided, single submitter. Criteria: ACMG Guidelines, 2015. Collection method: clinical testing. Allele origin: germline.

Myriad Genetics, Inc.
Classification: Likely benign for BAP1-related tumor predisposition syndrome. Last evaluated: 2024-07-17. Review status: criteria provided, single submitter. Criteria: Myriad Autosomal Dominant, Autosomal Recessive and X-Linked Classification Criteria (2023). Collection method: clinical testing. Allele origin: unknown.
Comment: This variant is considered likely benign. This variant is intronic and is not expected to impact mRNA splicing.

Labcorp Genetics (formerly Invitae), Labcorp
Classification: Likely benign for BAP1-related tumor predisposition syndrome. Last evaluated: 2024-02-18. Review status: criteria provided, single submitter. Criteria: Invitae Variant Classification Sherloc (09022015). Collection method: clinical testing. Allele origin: germline.